The following is an entry in ClinVar:

NM_006088.6(TUBB4B):c.48C>A (p.Ile16=)

Gene: TUBB4B (tubulin beta 4B class IVb; plus strand). Cytogenetic location: 9q34.3.
Variant type: single nucleotide variant.
Coding change: c.48C>A on transcript NM_006088.6 (MANE Select); coding-DNA position 48, C replaced by A.
Protein change: p.Ile16=; no amino-acid change (isoleucine 16 retained).
Molecular consequence: synonymous variant.
Genome position (GRCh38, 1-based): chr9:137,241,408, C>A. VCF-style: chr9-137241408-C-A. GRCh37 (hg19) VCF-style: chr9-140135860-C-A.
Other names: c.48C>A (NM_006088.5).
Identifiers: ClinVar variation 2888545 (VCV002888545.5), dbSNP rs138055896, ClinGen allele CA5365121.

ClinVar aggregate classification (germline): Likely benign. Review status: criteria provided, multiple submitters, no conflicts (2 of 4 stars). 3 submissions from 3 submitters: Likely benign (3). Last evaluated 2026-08-13.

Conditions:
TUBB4B-related disorder. Also called: TUBB4B-related condition.

Allele frequency attached by ClinVar (database versions not stated): ExAC 0.00011; 1000 Genomes Project 30x 0.00016; ESP Exome Variant Server 0.00023; gnomAD 0.00029.
gnomAD v4.1: 84 of 1,593,346 alleles (0.0053%); highest among the groups gnomAD compares: African/African-American, 0.11%; no homozygotes.

Submissions (3):

PreventionGenetics, part of Exact Sciences
Classification: Likely benign for TUBB4B-related condition. Last evaluated: 2026-08-13. Review status: criteria provided, single submitter. Criteria: ACMG Guidelines, 2015. Collection method: clinical testing. Allele origin: germline.
Comment: This variant is classified as likely benign based on ACMG/AMP sequence variant interpretation guidelines (Richards et al. 2015 PMID: 25741868, with internal and published modifications).

Labcorp Genetics (formerly Invitae), Labcorp
Classification: Likely benign. Last evaluated: 2025-03-25. Review status: criteria provided, single submitter. Criteria: Invitae Variant Classification Sherloc (09022015). Collection method: clinical testing. Allele origin: germline.

Blueprint Genetics
Classification: Likely benign. Last evaluated: 2022-11-03. Review status: criteria provided, single submitter. Criteria: ACMG Guidelines, 2015. Collection method: clinical testing. Allele origin: germline.